The following is an entry in ClinVar:

NM_013254.4(TBK1):c.1091G>A (p.Gly364Glu)

Gene: TBK1 (TANK binding kinase 1; plus strand). Cytogenetic location: 12q14.2.
Variant type: single nucleotide variant.
Coding change: c.1091G>A on transcript NM_013254.4 (MANE Select); coding-DNA position 1091, G replaced by A.
Protein change: p.Gly364Glu; replaces glycine 364 with glutamic acid.
Molecular consequence: missense variant.
Genome position (GRCh38, 1-based): chr12:64,484,401, G>A. VCF-style: chr12-64484401-G-A. GRCh37 (hg19) VCF-style: chr12-64878181-G-A.
Other names: short protein forms G364E.
Identifiers: ClinVar variation 1362632 (VCV001362632.8), dbSNP rs748571947, ClinGen allele CA6668968.
Genomic context (GRCh38, chr12:64,484,401, plus strand): 5'-AAATTATTTCTTCAAATCAAGAACTTATCTACGAAGGGCGACGCTTAGTCTTAGAACCTG[G>A]AAGGCTGGCACAACATTTCCCTAAAACTACTGAGGAAAACCCTATATTTGTAGTAAGCCG-3'
Protein context (NP_037386.1, residues 354-374): YEGRRLVLEP[Gly364Glu]RLAQHFPKTT

ClinVar aggregate classification (germline): Uncertain significance (1 of 4 stars; one submission).

Conditions:
Frontotemporal dementia and/or amyotrophic lateral sclerosis 4. Also called: FTDALS4. Identifiers: Orphanet 275872, MedGen C4225325, MONDO:0014641, OMIM 616439.

Allele frequency attached by ClinVar (database versions not stated): ExAC 0.00002; gnomAD exomes 0.00002.
gnomAD v4.1: 19 of 1,614,098 alleles (0.0012%); highest among the groups gnomAD compares: South Asian, 0.019%; no homozygotes.

Submission:

Labcorp Genetics (formerly Invitae), Labcorp
Classification: Uncertain significance for Frontotemporal dementia and/or amyotrophic lateral sclerosis 4. Last evaluated: 2022-11-29. Review status: criteria provided, single submitter. Criteria: Invitae Variant Classification Sherloc (09022015). Collection method: clinical testing. Allele origin: germline.
Comment: In summary, the available evidence is currently insufficient to determine the role of this variant in disease. Therefore, it has been classified as a Variant of Uncertain Significance. This sequence change replaces glycine, which is neutral and non-polar, with glutamic acid, which is acidic and polar, at codon 364 of the TBK1 protein (p.Gly364Glu). This variant is present in population databases (rs748571947, gnomAD 0.02%). This variant has not been reported in the literature in individuals affected with TBK1-related conditions. ClinVar contains an entry for this variant (Variation ID: 1362632). Advanced modeling of protein sequence and biophysical properties (such as structural, functional, and spatial information, amino acid conservation, physicochemical variation, residue mobility, and thermodynamic stability) performed at Invitae indicates that this missense variant is not expected to disrupt TBK1 protein function.